The following is an entry in ClinVar:

ClinVar aggregate classification (germline): Pathogenic. Review status: criteria provided, multiple submitters, no conflicts (2 of 4 stars). 3 submissions from 3 submitters: Pathogenic (2). 1 of the submissions does not count toward it. Last evaluated 2024-06-07.

Conditions:
Mucopolysaccharidosis, MPS-II (MPS2). Also called: Mucopolysaccharidosis with skin involvement; Attenuated MPS (subtype; formerly known as mild MPS II); Severe MPS II; I2S deficiency; MPS 2; Hunter Syndrome. Identifiers: Orphanet 580, Orphanet 79388, MedGen C0026705, MONDO:0010674, OMIM 309900.

Submissions (3):

Laboratory of Diagnosis and Therapy of Lysosomal Disorders, University of Padova
Classification: Pathogenic for Mucopolysaccharidosis, MPS-II. Last evaluated: 2024-06-07. Review status: criteria provided, single submitter. Criteria: ACMG Guidelines, 2015. Collection method: literature only. Allele origin: germline. Affected: yes. Observed: 5 variant alleles.
Comment: Null variant (PVS1_VeryStrong), Prevalence of the variant significantly increased in affected individuals compared with controls (PS4_Supporting), Absent from controls (or at low frequency) in gnomAD database (PM2_Moderate), Patient’s phenotype or family history highly specific for the disease (PP4_Strong)

Classification method: ACMG Guidelines [PMID:25741868] with modifications

Labcorp Genetics (formerly Invitae), Labcorp
Classification: Pathogenic for Mucopolysaccharidosis, MPS-II. Last evaluated: 2020-02-27. Review status: criteria provided, single submitter. Criteria: Invitae Variant Classification Sherloc (09022015). Collection method: clinical testing. Allele origin: germline.
Comment: For these reasons, this variant has been classified as Pathogenic. Loss-of-function variants in IDS are known to be pathogenic (PMID: 8940265, 9875019). Algorithms developed to predict the effect of sequence changes on RNA splicing suggest that this variant may create or strengthen a splice site, but this prediction has not been confirmed by published transcriptional studies. This variant has been observed in individual(s) with MPS II (PMID: 10738003, Invitae). ClinVar contains an entry for this variant (Variation ID: 558998). This variant is not present in population databases (ExAC no frequency). This sequence change creates a premature translational stop signal (p.Tyr103*) in the IDS gene. It is expected to result in an absent or disrupted protein product.

Mayo Clinic Laboratories, Mayo Clinic
Classification: Pathogenic. Last evaluated: 2016-12-30. Review status: no assertion criteria provided. Collection method: clinical testing. Allele origin: unknown. Not counted in ClinVar's aggregate classification.

Literature cited by the submitters: PubMed 10738003 (cited by Laboratory of Diagnosis and Therapy of Lysosomal Disorders, University of Padova and Labcorp Genetics (formerly Invitae), Labcorp); PubMed 11462244 (cited by Laboratory of Diagnosis and Therapy of Lysosomal Disorders, University of Padova); PubMed 33960103 (cited by Laboratory of Diagnosis and Therapy of Lysosomal Disorders, University of Padova); PubMed 36945845 (cited by Laboratory of Diagnosis and Therapy of Lysosomal Disorders, University of Padova); PubMed 8940265 (cited by Labcorp Genetics (formerly Invitae), Labcorp); PubMed 9875019 (cited by Labcorp Genetics (formerly Invitae), Labcorp).

NM_000202.8(IDS):c.309C>G (p.Tyr103Ter)

Gene: IDS (iduronate 2-sulfatase; minus strand). Cytogenetic location: Xq28.
Variant type: single nucleotide variant.
Coding change: c.309C>G on transcript NM_000202.8 (MANE Select); coding-DNA position 309, C replaced by G.
Protein change: p.Tyr103Ter; replaces tyrosine 103 with a stop codon.
Molecular consequence: nonsense. On other transcripts: non-coding transcript variant (1).
Genome position (GRCh38, 1-based): chrX:149,503,421, G>C on the plus strand (C>G on the coding strand, the complement: IDS is on the minus strand). VCF-style: chrX-149503421-G-C. GRCh37 (hg19) VCF-style: chrX-148584951-G-C.
Other names: c.39C>G, p.Tyr13Ter (NM_001166550.4); c.309C>G, p.Tyr103Ter (NM_006123.5); short protein forms Y103*, Y13*.
Identifiers: ClinVar variation 558998 (VCV000558998.15), dbSNP rs1174495581, ClinGen allele CA414526479.
Genomic context (GRCh38, chrX:149,503,421, plus strand): 5'-GAAGTACTGGGGGATGGTGGAGAAGTTTCCAGCGTGCACCCTCCAGTAGGAGTTGAAGTC[G>C]TACAGGCGGGTGGTGTCAGGTCTCCTGCCAGTGAGGAAAGAAACGCGGCTCGGGGCGCAC-3'